The following is an entry in ClinVar:

NM_014244.5(ADAMTS2):c.2773C>A (p.Pro925Thr)

Gene: ADAMTS2 (ADAM metallopeptidase with thrombospondin type 1 motif 2; minus strand). Cytogenetic location: 5q35.3.
Variant type: single nucleotide variant.
Coding change: c.2773C>A on transcript NM_014244.5 (MANE Select); coding-DNA position 2773, C replaced by A.
Protein change: p.Pro925Thr; replaces proline 925 with threonine.
Molecular consequence: missense variant.
Genome position (GRCh38, 1-based): chr5:179,125,158, G>T on the plus strand (C>A on the coding strand, the complement: ADAMTS2 is on the minus strand). VCF-style: chr5-179125158-G-T. GRCh37 (hg19) VCF-style: chr5-178552159-G-T.
Other names: short protein forms P925T.
Identifiers: ClinVar variation 2428035 (VCV002428035.5), dbSNP rs765020379, ClinGen allele CA3595415.
Genomic context (GRCh38, chr5:179,125,158, plus strand): 5'-GCTGAATGCAGCGCACGGAGCGCACCTGCATGCCTGTCCGCCCACAGGTCTGGCTACATG[G>T]CTCCCATTCGCCTGTGACCCACCTGCCAGGGCAGAGCGGGGCACAGTCAGGCTTCCGCAG-3'
Protein context (NP_055059.2, residues 915-935): QPVWVTGEWE[Pro925Thr]CSQTCGRTGM

ClinVar aggregate classification (germline): Uncertain significance (1 of 4 stars; one submission).

Conditions:
Ehlers-Danlos syndrome, dermatosparaxis type. Also called: Dermatosparaxis; Ehlers-Danlos syndrome, type VII, autosomal recessive; EDS VIIC. Identifiers: Orphanet 1901, MedGen C2700425, MONDO:0009161, OMIM 225410.

Allele frequency attached by ClinVar (database versions not stated): gnomAD exomes below 0.00001; ExAC 0.00001.
gnomAD v4.1: 2 of 1,612,746 alleles (0.00012%); highest among the groups gnomAD compares: Admixed American, 0.0033%; no homozygotes.

Submission:

Labcorp Genetics (formerly Invitae), Labcorp
Classification: Uncertain significance for Ehlers-Danlos syndrome, dermatosparaxis type. Last evaluated: 2022-06-18. Review status: criteria provided, single submitter. Criteria: Invitae Variant Classification Sherloc (09022015). Collection method: clinical testing. Allele origin: germline.
Comment: This sequence change replaces proline, which is neutral and non-polar, with threonine, which is neutral and polar, at codon 925 of the ADAMTS2 protein (p.Pro925Thr). This variant is present in population databases (rs765020379, gnomAD 0.003%). This variant has not been reported in the literature in individuals affected with ADAMTS2-related conditions. Algorithms developed to predict the effect of missense changes on protein structure and function (SIFT, PolyPhen-2, Align-GVGD) all suggest that this variant is likely to be disruptive. In summary, the available evidence is currently insufficient to determine the role of this variant in disease. Therefore, it has been classified as a Variant of Uncertain Significance.